The following is an entry in ClinVar:

ClinVar aggregate classification (germline): Uncertain significance. Review status: criteria provided, multiple submitters, no conflicts (2 of 4 stars). 3 submissions from 3 submitters: Uncertain significance (3). Last evaluated 2025-05-30.

Conditions:
Familial hypobetalipoproteinemia 1. Also called: APOB-Related Familial Hypobetalipoproteinemia; Hypobetalipoproteinemia, normotriglyceridemic; Acanthocytosis with hypobetalipoproteinemia. Identifiers: MedGen C4551990, MONDO:0014252, OMIM 615558.
Hypercholesterolemia, autosomal dominant, type B (FHCL2). Also called: APOLIPOPROTEIN B-100, FAMILIAL DEFECTIVE; APOLIPOPROTEIN B-100, FAMILIAL LIGAND-DEFECTIVE; HYPERCHOLESTEROLEMIA, FAMILIAL, DUE TO LIGAND-DEFECTIVE APOLIPOPROTEIN B; Hyperlipoproteinemia Type IIb; Familial hypercholesterolemia 2; Familial Hypercholesterolemia Type B. Identifiers: MedGen C1704417, MONDO:0007751, OMIM 144010.
Cardiovascular phenotype. Identifiers: MedGen CN230736.

Allele frequency attached by ClinVar (database versions not stated): gnomAD 0.00002; TOPMed 0.00002.
gnomAD v4.1: 101 of 1,614,050 alleles (0.0063%); highest among the groups gnomAD compares: Non-Finnish European, 0.0081%; no homozygotes.

Submissions (3):

Ambry Genetics
Classification: Uncertain significance for Cardiovascular phenotype. Last evaluated: 2025-05-30. Review status: criteria provided, single submitter. Criteria: Ambry Variant Classification Scheme 2023. Collection method: clinical testing. Allele origin: germline.
Comment: The p.S1961N variant (also known as c.5882G>A), located in coding exon 26 of the APOB gene, results from a G to A substitution at nucleotide position 5882. The serine at codon 1961 is replaced by asparagine, an amino acid with highly similar properties. This amino acid position is conserved. In addition, this alteration is predicted to be tolerated by in silico analysis. Since supporting evidence is limited at this time, the clinical significance of this alteration remains unclear.

Labcorp Genetics (formerly Invitae), Labcorp
Classification: Uncertain significance for Familial hypobetalipoproteinemia 1; Hypercholesterolemia, autosomal dominant, type B. Last evaluated: 2023-06-17. Review status: criteria provided, single submitter. Criteria: Invitae Variant Classification Sherloc (09022015). Collection method: clinical testing. Allele origin: germline.
Comment: This sequence change replaces serine, which is neutral and polar, with asparagine, which is neutral and polar, at codon 1961 of the APOB protein (p.Ser1961Asn). This variant is present in population databases (no rsID available, gnomAD 0.002%). This variant has not been reported in the literature in individuals affected with APOB-related conditions. ClinVar contains an entry for this variant (Variation ID: 993043). Advanced modeling of protein sequence and biophysical properties (such as structural, functional, and spatial information, amino acid conservation, physicochemical variation, residue mobility, and thermodynamic stability) performed at Invitae indicates that this missense variant is not expected to disrupt APOB protein function. In summary, the available evidence is currently insufficient to determine the role of this variant in disease. Therefore, it has been classified as a Variant of Uncertain Significance.

Quest Diagnostics Nichols Institute San Juan Capistrano
Classification: Uncertain significance. Last evaluated: 2019-11-19. Review status: criteria provided, single submitter. Criteria: Quest Diagnostics criteria. Collection method: clinical testing. Allele origin: unknown.

NM_000384.3(APOB):c.5882G>A (p.Ser1961Asn)

Gene: APOB (apolipoprotein B; minus strand). Cytogenetic location: 2p24.1.
Variant type: single nucleotide variant.
Coding change: c.5882G>A on transcript NM_000384.3 (MANE Select); coding-DNA position 5882, G replaced by A.
Protein change: p.Ser1961Asn; replaces serine 1961 with asparagine.
Molecular consequence: missense variant.
Genome position (GRCh38, 1-based): chr2:21,010,986, C>T on the plus strand (G>A on the coding strand, the complement: APOB is on the minus strand). VCF-style: chr2-21010986-C-T. GRCh37 (hg19) VCF-style: chr2-21233858-C-T.
Other names: short protein forms S1961N.
Identifiers: ClinVar variation 993043 (VCV000993043.8), dbSNP rs974524838, ClinGen allele CA43506135.
Genomic context (GRCh38, chr2:21,010,986, plus strand): 5'-CAGGTGCCTGTCTGCTCAGCTGGAGTAAGCAGGGCACTGACTTTGTGTTCAAGAGCTGCA[C>T]TGATGCTTTTCCTAGACACGAGATGATGACTTGTGGAGCCTTTGTAATCATGAGAGAAAG-3'
Protein context (NP_000375.3, residues 1951-1971): SHHLVSRKSI[Ser1961Asn]AALEHKVSAL